The following is an entry in ClinVar:

ClinVar aggregate classification (germline): Pathogenic. Review status: criteria provided, multiple submitters, no conflicts (2 of 4 stars). 2 submissions from 2 submitters: Pathogenic (2). Last evaluated 2020-10-23.

Conditions:
Myofibrillar myopathy 5. Also called: FILAMINOPATHY, AUTOSOMAL DOMINANT; Filaminopathy (type). Identifiers: Orphanet 171445, MedGen C1836050, MONDO:0012289, OMIM 609524.
Distal myopathy with posterior leg and anterior hand involvement. Also called: WILLIAMS DISTAL MYOPATHY. Identifiers: Orphanet 63273, MedGen C3279722, MONDO:0013550, OMIM 614065.
Hypertrophic cardiomyopathy 26. Also called: Cardiomyopathy, familial hypertrophic, 26. Identifiers: Orphanet 75249, MedGen C4310749, MONDO:0014883, OMIM 617047.

Submissions (2):

Institute of Medical Genetics and Applied Genomics, University Hospital Tübingen
Classification: Pathogenic. Last evaluated: 2020-10-23. Review status: criteria provided, single submitter. Criteria: ACMG Guidelines, 2015. Collection method: clinical testing. Allele origin: germline. Inheritance: Unknown mechanism. Affected: yes.

Labcorp Genetics (formerly Invitae), Labcorp
Classification: Pathogenic for Distal myopathy with posterior leg and anterior hand involvement; Myofibrillar myopathy 5; Hypertrophic cardiomyopathy 26. Last evaluated: 2020-02-15. Review status: criteria provided, single submitter. Criteria: Invitae Variant Classification Sherloc (09022015). Collection method: clinical testing. Allele origin: germline.
Comment: This sequence change creates a premature translational stop signal (p.Val958*) in the FLNC gene. It is expected to result in an absent or disrupted protein product. This variant is not present in population databases (ExAC no frequency). This variant has not been reported in the literature in individuals with FLNC-related conditions. Loss-of-function variants in FLNC are known to be pathogenic (PMID: 27908349). For these reasons, this variant has been classified as Pathogenic.

Literature cited by the submitters: PubMed 27908349 (cited by Labcorp Genetics (formerly Invitae), Labcorp).

NM_001458.5(FLNC):c.2872del (p.Val957_Val958insTer)

Gene: FLNC (filamin C; plus strand). Cytogenetic location: 7q32.1.
Variant type: Deletion.
Coding change: c.2872del on transcript NM_001458.5 (MANE Select); coding-DNA position 2872, one base deleted (G; older notation c.2872delG).
Protein change: p.Val957_Val958insTer.
Molecular consequence: nonsense.
Genome position (GRCh38, 1-based): chr7:128,843,856, G deleted; the last of 2 consecutive G bases (chr7:128,843,855-128,843,856); deleting either gives the same sequence. VCF-style (leftmost placement, unchanged base first): chr7-128843854-TG-T. GRCh37 (hg19) VCF-style: chr7-128483908-TG-T.
Other names: c.2872del, p.Val957_Val958insTer (NM_001127487.2).
Identifiers: ClinVar variation 967651 (VCV000967651.10), dbSNP rs1401551498, ClinGen allele CA833141091.
Genomic context (GRCh38, chr7:128,843,854, plus strand): 5'-AGGGCAACATGGCAGTGACAGTGACTTATGGCGGGGACCCTGTCCCCAAGAGCCCCTTTG[TG>T]GTGAATGTGGCACCCCCGCTGGACCTCAGCAAAATCAAAGTTCAGGGCCTTAATAGCAGT-3'